The following is an entry in ClinVar:

NM_000384.3(APOB):c.9386C>A (p.Pro3129His)

Gene: APOB (apolipoprotein B; minus strand). Cytogenetic location: 2p24.1.
Variant type: single nucleotide variant.
Coding change: c.9386C>A on transcript NM_000384.3 (MANE Select); coding-DNA position 9386, C replaced by A.
Protein change: p.Pro3129His; replaces proline 3129 with histidine.
Molecular consequence: missense variant.
Genome position (GRCh38, 1-based): chr2:21,007,482, G>T on the plus strand (C>A on the coding strand, the complement: APOB is on the minus strand). VCF-style: chr2-21007482-G-T. GRCh37 (hg19) VCF-style: chr2-21230354-G-T.
Other names: c.9386C>A (NM_000384.2); short protein forms P3129H.
Identifiers: ClinVar variation 2193755 (VCV002193755.4), dbSNP rs772812459, ClinGen allele CA066488.

ClinVar aggregate classification (germline): Conflicting classifications of pathogenicity. Review status: criteria provided, conflicting classifications (1 of 4 stars). 2 submissions from 2 submitters: Uncertain significance (1); Likely benign (1). Last evaluated 2025-02-16.

Conditions:
Familial hypobetalipoproteinemia 1. Also called: APOB-Related Familial Hypobetalipoproteinemia; Hypobetalipoproteinemia, normotriglyceridemic; Acanthocytosis with hypobetalipoproteinemia. Identifiers: MedGen C4551990, MONDO:0014252, OMIM 615558.
Hypercholesterolemia, autosomal dominant, type B (FHCL2). Also called: Familial Hypercholesterolemia Type B; APOLIPOPROTEIN B-100, FAMILIAL DEFECTIVE; APOLIPOPROTEIN B-100, FAMILIAL LIGAND-DEFECTIVE; HYPERCHOLESTEROLEMIA, FAMILIAL, DUE TO LIGAND-DEFECTIVE APOLIPOPROTEIN B; Hyperlipoproteinemia Type IIb; APOB-Related Familial Hypercholesterolemia, Autosomal Dominant. Identifiers: MedGen C1704417, MONDO:0007751, OMIM 144010.
Cardiovascular phenotype. Identifiers: MedGen CN230736.

Allele frequency attached by ClinVar (database versions not stated): ExAC 0.00002; gnomAD exomes 0.00002; TOPMed 0.00001.

Submissions (2):

Labcorp Genetics (formerly Invitae), Labcorp
Classification: Likely benign for Familial hypobetalipoproteinemia 1; Hypercholesterolemia, autosomal dominant, type B. Last evaluated: 2025-02-16. Review status: criteria provided, single submitter. Criteria: Invitae Variant Classification Sherloc (09022015). Collection method: clinical testing. Allele origin: germline.

Ambry Genetics
Classification: Uncertain significance for Cardiovascular phenotype. Last evaluated: 2025-02-09. Review status: criteria provided, single submitter. Criteria: Ambry Variant Classification Scheme 2023. Collection method: clinical testing. Allele origin: germline.
Comment: The p.P3129H variant (also known as c.9386C>A), located in coding exon 26 of the APOB gene, results from a C to A substitution at nucleotide position 9386. The proline at codon 3129 is replaced by histidine, an amino acid with similar properties. This amino acid position is conserved. In addition, the in silico prediction for this alteration is inconclusive. Based on the available evidence, the clinical significance of this variant remains unclear.